The following is an entry in ClinVar:

ClinVar aggregate classification (germline): Uncertain significance (1 of 4 stars; one submission).

Conditions:
Familial thoracic aortic aneurysm and aortic dissection (TAAD). Also called: Thoracic aortic aneurysms and dissections. Identifiers: Orphanet 91387, MedGen C4707243, MONDO:0019625.

gnomAD v4.1: 3 of 1,614,164 alleles (0.00019%); highest among the groups gnomAD compares: Non-Finnish European, 0.00025%; no homozygotes.

Submission:

Ambry Genetics
Classification: Uncertain significance for Familial thoracic aortic aneurysm and aortic dissection. Last evaluated: 2024-10-08. Review status: criteria provided, single submitter. Criteria: Ambry Variant Classification Scheme 2023. Collection method: clinical testing. Allele origin: germline.
Comment: The p.I396T variant (also known as c.1187T>C), located in coding exon 10 of the MYH11 gene, results from a T to C substitution at nucleotide position 1187. The isoleucine at codon 396 is replaced by threonine, an amino acid with similar properties. This amino acid position is conserved. In addition, the in silico prediction for this alteration is inconclusive. Based on the available evidence, the clinical significance of this variant remains unclear.

NM_002474.3(MYH11):c.1187T>C (p.Ile396Thr)

Gene: MYH11 (myosin heavy chain 11; minus strand). Cytogenetic location: 16p13.11.
Variant type: single nucleotide variant.
Coding change: c.1187T>C on transcript NM_002474.3 (MANE Select); coding-DNA position 1187, T replaced by C.
Protein change: p.Ile396Thr; replaces isoleucine 396 with threonine.
Molecular consequence: missense variant.
Genome position (GRCh38, 1-based): chr16:15,760,601, A>G on the plus strand (T>C on the coding strand, the complement: MYH11 is on the minus strand). VCF-style: chr16-15760601-A-G. GRCh37 (hg19) VCF-style: chr16-15854458-A-G.
Other names: c.1208T>C, p.Ile403Thr (NM_001040113.2, NM_001040114.2); c.1187T>C, p.Ile396Thr (NM_022844.3); short protein forms I396T, I403T.
Identifiers: ClinVar variation 3297376 (VCV003297376.2).